The following is an entry in ClinVar:

ClinVar aggregate classification (germline): Uncertain significance. Review status: criteria provided, multiple submitters, no conflicts (2 of 4 stars). 2 submissions from 2 submitters: Uncertain significance (2). Last evaluated 2024-04-04.

Conditions:
Neuronopathy, distal hereditary motor, autosomal recessive 7. Also called: NEUROPATHY, HEREDITARY MOTOR, WITH MYOPATHIC FEATURES; NEUROPATHY, DISTAL HEREDITARY MOTOR, AUTOSOMAL RECESSIVE 7. Identifiers: MedGen C5543119, MONDO:0030977, OMIM 619216.

Submissions (2):

Genomic Medicine Center of Excellence, King Faisal Specialist Hospital and Research Centre
Classification: Uncertain significance for Neuronopathy, distal hereditary motor, autosomal recessive 7. Last evaluated: 2024-04-04. Review status: criteria provided, single submitter. Criteria: ACMG Guidelines, 2015. Collection method: clinical testing. Allele origin: germline.

Women's Health and Genetics/Laboratory Corporation of America, LabCorp
Classification: Uncertain significance. Last evaluated: 2022-12-15. Review status: criteria provided, single submitter. Criteria: LabCorp Variant Classification Summary - May 2015. Collection method: clinical testing. Allele origin: germline.
Comment: Variant summary: VWA1 c.1281_1286dupGCGCCC (p.Arg430_Pro431dup) results in an in-frame duplication that is predicted to duplicate two amino acids into the last exon of the encoded protein. The variant was absent in 2212 control chromosomes. The available data on variant occurrences in the general population are insufficient to allow any conclusion about variant significance. To our knowledge, no occurrence of c.1281_1286dupGCGCCC in individuals affected with Neuropathy, Hereditary Motor, With Myopathic Features and no experimental evidence demonstrating its impact on protein function have been reported. No clinical diagnostic laboratories have submitted clinical-significance assessments for this variant to ClinVar after 2014. Based on the evidence outlined above, the variant was classified as uncertain significance.

NM_022834.5(VWA1):c.1275GCGCCC[3] (p.Pro431_Val432insArgPro)

Gene: VWA1 (von Willebrand factor A domain containing 1; plus strand). Cytogenetic location: 1p36.33.
Variant type: Microsatellite.
Coding change: c.1275GCGCCC[3] on transcript NM_022834.5 (MANE Select); three copies in a row of the 6-base unit GCGCCC starting at c.1275; the reference has two copies in a row; one copy, 6 bases duplicated; also written c.1281_1286dup.
Protein change: p.Pro431_Val432insArgPro.
Molecular consequence: inframe insertion. On other transcripts: 3 prime UTR variant (1).
Genome position (GRCh38, 1-based): chr1:1,439,730-1,439,735, GCGCCC duplicated; duplicating any 6 consecutive bases within chr1:1,439,720-1,439,735 gives the same sequence; the position shown is the placement nearest the transcript's 3' end. VCF-style (leftmost placement, unchanged base first): chr1-1439719-G-GGCCCGC. GRCh37 (hg19) VCF-style: chr1-1375099-G-GGCCCGC.
Other names: c.*685GCGCCC[3] (NM_199121.3); c.1281_1286dup (NM_022834.5).
Identifiers: ClinVar variation 1878315 (VCV001878315.2), dbSNP rs908433842, ClinGen allele CA16817106.